The following is an entry in ClinVar:

ClinVar aggregate classification (germline): Likely pathogenic (0 of 4 stars; one submission).

Conditions:
KCNJ1-related disorder. Also called: KCNJ1-related condition.

Submission:

PreventionGenetics, part of Exact Sciences
Classification: Likely pathogenic for KCNJ1-related condition. Last evaluated: 2024-05-14. Review status: no assertion criteria provided. Collection method: clinical testing. Allele origin: germline.
Comment: The KCNJ1 c.962G>A variant is predicted to result in premature protein termination (p.Trp321*). To our knowledge, this variant has not been reported in the literature or in a large population database, indicating this variant is rare. Nonsense variants in KCNJ1 are expected to be pathogenic. Upstream and downstream loss-of-function variants have been reported as causative. This variant is interpreted as likely pathogenic.

NM_153766.3(KCNJ1):c.905G>A (p.Trp302Ter)

Gene: KCNJ1 (potassium inwardly rectifying channel subfamily J member 1; minus strand). Cytogenetic location: 11q24.3.
Variant type: single nucleotide variant.
Coding change: c.905G>A on transcript NM_153766.3 (MANE Select); coding-DNA position 905, G replaced by A.
Protein change: p.Trp302Ter; replaces tryptophan 302 with a stop codon.
Molecular consequence: nonsense.
Genome position (GRCh38, 1-based): chr11:128,839,339, C>T on the plus strand (G>A on the coding strand, the complement: KCNJ1 is on the minus strand). VCF-style: chr11-128839339-C-T. GRCh37 (hg19) VCF-style: chr11-128709234-C-T.
Other names: c.962G>A, p.Trp321Ter (NM_000220.6); c.905G>A, p.Trp302Ter (NM_153764.3, NM_153767.4); c.956G>A, p.Trp319Ter (NM_153765.3); short protein forms W302*, W319*, W321*.
Identifiers: ClinVar variation 3344448 (VCV003344448.1).